The following is an entry in ClinVar:

ClinVar aggregate classification (germline): Likely pathogenic (1 of 4 stars; one submission).

Conditions:
Retinitis pigmentosa (RP). Identifiers: Orphanet 791, MedGen C0035334, MeSH D012174, MONDO:0019200, OMIM 268000. Inheritance: Autosomal dominant, autosomal recessive and X linked inheritance.

Submission:

Women's Health and Genetics/Laboratory Corporation of America, LabCorp
Classification: Likely pathogenic for Retinitis pigmentosa. Last evaluated: 2022-11-16. Review status: criteria provided, single submitter. Criteria: LabCorp Variant Classification Summary - May 2015. Collection method: clinical testing. Allele origin: germline.
Comment: Variant summary: The variant identified by MLPA or other technology involves the deletion of exon 5 in the MAK gene. A presumed nomenclature of c.(358+1_359-1)_(491+1_492-1)del has been designated for the purposes of this classification. Although exact breakpoints of this deletion are not known, it is expected to result in a frameshift in the MAK gene, a known mechanism of disease. The variant was absent in 21694 control chromosomes (gnomAD). To our knowledge, no occurrence of c.(358+1_359-1)_(491+1_492-1)del in individuals affected with Retinitis Pigmentosa and no experimental evidence demonstrating its impact on protein function have been reported. No clinical diagnostic laboratories have submitted clinical-significance assessments for this variant to ClinVar after 2014. Based on the evidence outlined above, the variant was classified as likely pathogenic.

NC_000006.11:g.(10804125_10809042)_(10809176_10813876)del

Gene: MAK (male germ cell associated kinase; minus strand). Cytogenetic location: 6p24.2.
Variant type: Deletion.
Identifiers: ClinVar variation 1804722 (VCV001804722.1).